The following is an entry in ClinVar:

ClinVar aggregate classification (germline): Uncertain significance (1 of 4 stars; one submission).

Submission:

CeGaT Center for Human Genetics Tuebingen
Classification: Uncertain significance. Last evaluated: 2022-07-01. Review status: criteria provided, single submitter. Criteria: CeGaT Center For Human Genetics Tuebingen Variant Classification Criteria Version 2. Collection method: clinical testing. Allele origin: germline. Affected: yes. Observed: 1 variant allele.
Comment: SETBP1: PM2

NM_015559.3(SETBP1):c.1950G>T (p.Lys650Asn)

Gene: SETBP1 (SET binding protein 1; plus strand). Cytogenetic location: 18q12.3.
Variant type: single nucleotide variant.
Coding change: c.1950G>T on transcript NM_015559.3 (MANE Select); coding-DNA position 1950, G replaced by T.
Protein change: p.Lys650Asn; replaces lysine 650 with asparagine.
Molecular consequence: missense variant.
Genome position (GRCh38, 1-based): chr18:44,951,290, G>T. VCF-style: chr18-44951290-G-T. GRCh37 (hg19) VCF-style: chr18-42531255-G-T.
Other names: c.1950G>T, p.Lys650Asn (NM_001379141.1, NM_001379142.1); short protein forms K650N.
Identifiers: ClinVar variation 1701338 (VCV001701338.31), dbSNP rs2145101918, ClinGen allele CA402320041.